The following is an entry in ClinVar:

NM_014989.7(RIMS1):c.895C>A (p.Gln299Lys)

Gene: RIMS1 (regulating synaptic membrane exocytosis 1; plus strand). Cytogenetic location: 6q13.
Variant type: single nucleotide variant.
Coding change: c.895C>A on transcript NM_014989.7 (MANE Select); coding-DNA position 895, C replaced by A.
Protein change: p.Gln299Lys; replaces glutamine 299 with lysine.
Molecular consequence: missense variant.
Genome position (GRCh38, 1-based): chr6:72,182,366, C>A. VCF-style: chr6-72182366-C-A. GRCh37 (hg19) VCF-style: chr6-72892069-C-A.
Other names: short protein forms Q299K.
Identifiers: ClinVar variation 3728951 (VCV003728951.2).

ClinVar aggregate classification (germline): Uncertain significance (1 of 4 stars; one submission).

Submission:

Labcorp Genetics (formerly Invitae), Labcorp
Classification: Uncertain significance. Last evaluated: 2025-01-20. Review status: criteria provided, single submitter. Criteria: Invitae Variant Classification Sherloc (09022015). Collection method: clinical testing. Allele origin: germline.
Comment: This sequence change replaces glutamine, which is neutral and polar, with lysine, which is basic and polar, at codon 299 of the RIMS1 protein (p.Gln299Lys). This variant is not present in population databases (gnomAD no frequency). This variant has not been reported in the literature in individuals affected with RIMS1-related conditions. An algorithm developed to predict the effect of missense changes on protein structure and function (PolyPhen-2) suggests that this variant is likely to be tolerated. In summary, the available evidence is currently insufficient to determine the role of this variant in disease. Therefore, it has been classified as a Variant of Uncertain Significance.